The following is an entry in ClinVar:

NM_015272.5(RPGRIP1L):c.311G>A (p.Arg104Gln)

Gene: RPGRIP1L (RPGRIP1 like; minus strand). Cytogenetic location: 16q12.2.
Variant type: single nucleotide variant.
Coding change: c.311G>A on transcript NM_015272.5 (MANE Select); coding-DNA position 311, G replaced by A.
Protein change: p.Arg104Gln; replaces arginine 104 with glutamine.
Molecular consequence: missense variant.
Genome position (GRCh38, 1-based): chr16:53,692,284, C>T on the plus strand (G>A on the coding strand, the complement: RPGRIP1L is on the minus strand). VCF-style: chr16-53692284-C-T. GRCh37 (hg19) VCF-style: chr16-53726196-C-T.
Other names: c.311G>A, p.Arg104Gln (NM_001127897.4, NM_001308334.3, NM_001330538.2); short protein forms R104Q.
Identifiers: ClinVar variation 5002271 (VCV005002271.1).

ClinVar aggregate classification (germline): Uncertain significance (1 of 4 stars; one submission).

Conditions:
RPGRIP1L-related disorder. Also called: RPGRIP1L-related condition; RPGRIP1L-related disorders. Identifiers: MedGen CN239416.

Submission:

PreventionGenetics, part of Exact Sciences
Classification: Uncertain significance for RPGRIP1L-related condition. Last evaluated: 2025-06-05. Review status: criteria provided, single submitter. Criteria: ACMG Guidelines, 2015. Collection method: clinical testing. Allele origin: germline.
Comment: The RPGRIP1L c.311G>A variant is predicted to result in the amino acid substitution p.Arg104Gln. To our knowledge, this variant has not been reported in the literature. This variant is reported in 0.011% of alleles in individuals of African descent in gnomAD. At this time, the clinical significance of this variant is uncertain due to the absence of conclusive functional and genetic evidence.